The following is an entry in ClinVar:

ClinVar aggregate classification (germline): Uncertain significance (1 of 4 stars; one submission).

Conditions:
Vici syndrome (VICIS). Identifiers: Orphanet 1493, MedGen C1855772, MONDO:0009452, OMIM 242840.

Allele frequency attached by ClinVar (database versions not stated): TOPMed below 0.00001; ExAC 0.00001.
gnomAD v4.1: 6 of 1,614,126 alleles (0.00037%); highest among the groups gnomAD compares: Admixed American, 0.01%; no homozygotes.

Submission:

Labcorp Genetics (formerly Invitae), Labcorp
Classification: Uncertain significance for Vici syndrome. Last evaluated: 2024-10-16. Review status: criteria provided, single submitter. Criteria: Invitae Variant Classification Sherloc (09022015). Collection method: clinical testing. Allele origin: germline.
Comment: This sequence change replaces arginine, which is basic and polar, with serine, which is neutral and polar, at codon 1052 of the EPG5 protein (p.Arg1052Ser). This variant is present in population databases (rs777731844, gnomAD 0.01%). This variant has not been reported in the literature in individuals affected with EPG5-related conditions. ClinVar contains an entry for this variant (Variation ID: 2421217). Invitae Evidence Modeling of protein sequence and biophysical properties (such as structural, functional, and spatial information, amino acid conservation, physicochemical variation, residue mobility, and thermodynamic stability) has been performed for this missense variant. However, the output from this modeling did not meet the statistical confidence thresholds required to predict the impact of this variant on EPG5 protein function. In summary, the available evidence is currently insufficient to determine the role of this variant in disease. Therefore, it has been classified as a Variant of Uncertain Significance.

NM_020964.3(EPG5):c.3156A>T (p.Arg1052Ser)

Gene: EPG5 (ectopic P-granules 5 autophagy tethering factor; minus strand). Cytogenetic location: 18q21.1.
Variant type: single nucleotide variant.
Coding change: c.3156A>T on transcript NM_020964.3 (MANE Select); coding-DNA position 3156, A replaced by T.
Protein change: p.Arg1052Ser; replaces arginine 1052 with serine.
Molecular consequence: missense variant.
Genome position (GRCh38, 1-based): chr18:45,917,762, T>A on the plus strand (A>T on the coding strand, the complement: EPG5 is on the minus strand). VCF-style: chr18-45917762-T-A. GRCh37 (hg19) VCF-style: chr18-43497727-T-A.
Other names: c.3156A>T, p.Arg1052Ser (NM_001410858.1, NM_001410859.1); short protein forms R1052S.
Identifiers: ClinVar variation 2421217 (VCV002421217.4), dbSNP rs777731844, ClinGen allele CA8949253.